The following is an entry in ClinVar:

ClinVar aggregate classification (germline): Uncertain significance (1 of 4 stars; one submission).

Submission:

Labcorp Genetics (formerly Invitae), Labcorp
Classification: Uncertain significance. Last evaluated: 2022-12-22. Review status: criteria provided, single submitter. Criteria: Invitae Variant Classification Sherloc (09022015). Collection method: clinical testing. Allele origin: unknown.
Comment: Experimental studies and prediction algorithms are not available or were not evaluated, and the functional significance of this variant is currently unknown. In summary, the available evidence is currently insufficient to determine the role of this variant in disease. Therefore, it has been classified as a Variant of Uncertain Significance. This variant has not been reported in the literature in individuals affected with PAX3-related conditions. This variant is a gross deletion of the genomic region encompassing exon(s) 8 of the PAX3 gene, which includes the termination codon. This deletion extends beyond the assayed region for this gene and therefore may encompass additional genes. While this deletion is not anticipated to lead to nonsense mediated decay, it is expected to alter mRNA translation or result in a truncated protein product.

NC_000002.11:g.(?_223066643)_(223066929_?)del

Gene: PAX3 (paired box 3; minus strand). Cytogenetic location: 2q36.1.
Variant type: Deletion.
Identifiers: ClinVar variation 3247599 (VCV003247599.1).